The following is an entry in ClinVar:

ClinVar aggregate classification (germline): Uncertain significance (1 of 4 stars; one submission).

Submission:

Labcorp Genetics (formerly Invitae), Labcorp
Classification: Uncertain significance. Last evaluated: 2023-07-17. Review status: criteria provided, single submitter. Criteria: Invitae Variant Classification Sherloc (09022015). Collection method: clinical testing. Allele origin: germline.
Comment: In summary, the available evidence is currently insufficient to determine the role of this variant in disease. Therefore, it has been classified as a Variant of Uncertain Significance. Algorithms developed to predict the effect of missense changes on protein structure and function output the following: SIFT: "Not Available"; PolyPhen-2: "Benign"; Align-GVGD: "Not Available". The asparagine amino acid residue is found in multiple mammalian species, which suggests that this missense change does not adversely affect protein function. ClinVar contains an entry for this variant (Variation ID: 1524648). This variant has not been reported in the literature in individuals affected with CEP250-related conditions. This variant is not present in population databases (gnomAD no frequency). This sequence change replaces lysine, which is basic and polar, with asparagine, which is neutral and polar, at codon 2063 of the CEP250 protein (p.Lys2063Asn).

NM_007186.6(CEP250):c.6189G>T (p.Lys2063Asn)

Gene: CEP250 (centrosomal protein 250; plus strand). Cytogenetic location: 20q11.22.
Variant type: single nucleotide variant.
Coding change: c.6189G>T on transcript NM_007186.6 (MANE Select); coding-DNA position 6189, G replaced by T.
Protein change: p.Lys2063Asn; replaces lysine 2063 with asparagine.
Molecular consequence: missense variant.
Genome position (GRCh38, 1-based): chr20:35,504,558, G>T. VCF-style: chr20-35504558-G-T. GRCh37 (hg19) VCF-style: chr20-34092386-G-T.
Other names: c.4293G>T, p.Lys1431Asn (NM_001318219.1); short protein forms K2063N, K1431N.
Identifiers: ClinVar variation 1524648 (VCV001524648.6), dbSNP rs760033053, ClinGen allele CA408756371.